The following is an entry in ClinVar:

ClinVar aggregate classification (germline): Uncertain significance (1 of 4 stars; one submission).

Submission:

GeneDx
Classification: Uncertain significance. Last evaluated: 2026-03-30. Review status: criteria provided, single submitter. Criteria: GeneDx Variant Classification Process June 2021. Collection method: clinical testing. Allele origin: germline.
Comment: Not observed at significant frequency in large population cohorts (gnomAD); In silico analysis suggests that this missense variant does not alter protein structure/function; Has not been previously published as pathogenic or benign to our knowledge.

NM_004523.4(KIF11):c.774C>G (p.Ile258Met)

Gene: KIF11 (kinesin family member 11; plus strand). Cytogenetic location: 10q23.33.
Variant type: single nucleotide variant.
Coding change: c.774C>G on transcript NM_004523.4 (MANE Select); coding-DNA position 774, C replaced by G.
Protein change: p.Ile258Met; replaces isoleucine 258 with methionine.
Molecular consequence: missense variant.
Genome position (GRCh38, 1-based): chr10:92,613,115, C>G. VCF-style: chr10-92613115-C-G. GRCh37 (hg19) VCF-style: chr10-94372872-C-G.
Other names: short protein forms I258M.
Identifiers: ClinVar variation 5017882 (VCV005017882.1).